The following is an entry in ClinVar:

NM_003737.4(DCHS1):c.7139T>C (p.Leu2380Pro)

Gene: DCHS1 (dachsous cadherin-related 1; minus strand). Cytogenetic location: 11p15.4.
Variant type: single nucleotide variant.
Coding change: c.7139T>C on transcript NM_003737.4 (MANE Select); coding-DNA position 7139, T replaced by C.
Protein change: p.Leu2380Pro; replaces leucine 2380 with proline.
Molecular consequence: missense variant.
Genome position (GRCh38, 1-based): chr11:6,625,205, A>G on the plus strand (T>C on the coding strand, the complement: DCHS1 is on the minus strand). VCF-style: chr11-6625205-A-G. GRCh37 (hg19) VCF-style: chr11-6646436-A-G.
Other names: short protein forms L2380P.
Identifiers: ClinVar variation 2107906 (VCV002107906.4), dbSNP rs2493814787, ClinGen allele CA379483720.

ClinVar aggregate classification (germline): Uncertain significance (1 of 4 stars; one submission).

Submission:

Labcorp Genetics (formerly Invitae), Labcorp
Classification: Uncertain significance. Last evaluated: 2022-04-18. Review status: criteria provided, single submitter. Criteria: Invitae Variant Classification Sherloc (09022015). Collection method: clinical testing. Allele origin: germline.
Comment: This sequence change replaces leucine, which is neutral and non-polar, with proline, which is neutral and non-polar, at codon 2380 of the DCHS1 protein (p.Leu2380Pro). This variant is not present in population databases (gnomAD no frequency). This variant has not been reported in the literature in individuals affected with DCHS1-related conditions. Advanced modeling of protein sequence and biophysical properties (such as structural, functional, and spatial information, amino acid conservation, physicochemical variation, residue mobility, and thermodynamic stability) performed at Invitae indicates that this missense variant is not expected to disrupt DCHS1 protein function. In summary, the available evidence is currently insufficient to determine the role of this variant in disease. Therefore, it has been classified as a Variant of Uncertain Significance.